The following is an entry in ClinVar:

ClinVar aggregate classification (germline): Benign. Review status: criteria provided, multiple submitters, no conflicts (2 of 4 stars). 5 submissions from 5 submitters: Benign (5). Last evaluated 2026-02-04.

Allele frequency attached by ClinVar (database versions not stated): gnomAD exomes 0.05789 and 0.06531; ExAC 0.06495; ESP Exome Variant Server 0.06679; gnomAD 0.06995 and 0.07097; TOPMed 0.07348; 1000 Genomes Project 0.07428; 1000 Genomes Project 30x 0.07683.
gnomAD v4.1: 94,958 of 1,611,844 alleles (5.9%); highest among the groups gnomAD compares: Admixed American, 12%; 3,157 homozygotes.

Submissions (6):

Labcorp Genetics (formerly Invitae), Labcorp
Classification: Benign. Last evaluated: 2026-02-04. Review status: criteria provided, single submitter. Criteria: Invitae Variant Classification Sherloc (09022015). Collection method: clinical testing. Allele origin: germline.

Mayo Clinic Laboratories, Mayo Clinic
Classification: Benign. Last evaluated: 2020-10-02. Review status: criteria provided, single submitter. Criteria: ACMG Guidelines, 2015. Collection method: clinical testing. Allele origin: germline. Observed: 16 variant alleles.

Athena Diagnostics
Classification: Benign. Last evaluated: 2018-11-16. Review status: criteria provided, single submitter. Criteria: Athena Diagnostics Criteria. Collection method: clinical testing. Allele origin: germline.

GeneDx
Classification: Benign. Last evaluated: 2017-09-26. Review status: criteria provided, single submitter. Criteria: GeneDx Variant Classification (06012015). Collection method: clinical testing. Allele origin: germline. Affected: yes.
Comment: This variant is considered likely benign or benign based on one or more of the following criteria: it is a conservative change, it occurs at a poorly conserved position in the protein, it is predicted to be benign by multiple in silico algorithms, and/or has population frequency not consistent with disease.

Breakthrough Genomics
Classification: Benign. Review status: criteria provided, single submitter. Criteria: ACMG Guidelines, 2015. Collection method: not provided. Allele origin: germline. Inheritance: Autosomal dominant inheritance. Affected: yes.

Dr. Peter K. Rogan Lab, Western University
No classification provided (evidence only). Condition: Acute myeloid leukemia. Review status: no classification provided. Collection method: in vitro. Allele origin: not applicable. Functional consequence: retained intron. Not counted in ClinVar's aggregate classification.

NM_001042517.2(DIAPH3):c.1088A>G (p.Asn363Ser)

Gene: DIAPH3 (diaphanous related formin 3; minus strand). Cytogenetic location: 13q21.2.
Variant type: single nucleotide variant.
Coding change: c.1088A>G on transcript NM_001042517.2 (MANE Select); coding-DNA position 1088, A replaced by G.
Protein change: p.Asn363Ser; replaces asparagine 363 with serine.
Molecular consequence: missense variant.
Genome position (GRCh38, 1-based): chr13:59,992,510, T>C on the plus strand (A>G on the coding strand, the complement: DIAPH3 is on the minus strand). VCF-style: chr13-59992510-T-C. GRCh37 (hg19) VCF-style: chr13-60566644-T-C.
Other names: p.Asn363Ser; c.1055A>G, p.Asn352Ser (NM_001258366.2); c.950A>G, p.Asn317Ser (NM_001258367.2); c.878A>G, p.Asn293Ser (NM_001258368.2); c.1088A>G, p.Asn363Ser (NM_001258369.2); c.299A>G, p.Asn100Ser (NM_001258370.2, NM_030932.4); short protein forms N363S, N100S, N293S, N317S, N352S.
Identifiers: ClinVar variation 517827 (VCV000517827.13), dbSNP rs36084898, ClinGen allele CA6996801.
Genomic context (GRCh38, chr13:59,992,510, plus strand): 5'-TAAGGAGACTGCAGGGCACTTACTGGCAATATCTCTTTCAATCCACAACGCATAAATTCA[T>C]TTCTGATGTGAAGCCTGAAATCCAAATCATCAGGAGATGTAACCAGGGCATTGATGAGCT-3'
Protein context (NP_001035982.1, residues 353-373): DDLDFRLHIR[Asn363Ser]EFMRCGLKEI